The following is an entry in ClinVar:

NM_005149.3(TBX19):c.1096C>T (p.Pro366Ser)

Gene: TBX19 (T-box transcription factor 19; plus strand). Cytogenetic location: 1q24.2.
Variant type: single nucleotide variant.
Coding change: c.1096C>T on transcript NM_005149.3 (MANE Select); coding-DNA position 1096, C replaced by T.
Protein change: p.Pro366Ser; replaces proline 366 with serine.
Molecular consequence: missense variant.
Genome position (GRCh38, 1-based): chr1:168,312,751, C>T. VCF-style: chr1-168312751-C-T. GRCh37 (hg19) VCF-style: chr1-168281989-C-T.
Other names: short protein forms P366S.
Identifiers: ClinVar variation 3324849 (VCV003324849.2).

ClinVar aggregate classification (germline): Uncertain significance. Review status: criteria provided, multiple submitters, no conflicts (2 of 4 stars). 2 submissions from 2 submitters: Uncertain significance (2). Last evaluated 2025-07-15.

Conditions:
Inborn genetic diseases. Identifiers: MedGen C0950123, MeSH D030342.

gnomAD v4.1: 14 of 1,614,114 alleles (0.00087%); highest among the groups gnomAD compares: Admixed American, 0.0017%; no homozygotes.

Submissions (2):

GeneDx
Classification: Uncertain significance. Last evaluated: 2025-07-15. Review status: criteria provided, single submitter. Criteria: GeneDx Variant Classification Process June 2021. Collection method: clinical testing. Allele origin: germline. Affected: yes.
Comment: Not observed at significant frequency in large population cohorts (gnomAD); In silico analysis suggests that this missense variant does not alter protein structure/function; Has not been previously published as pathogenic or benign to our knowledge

Ambry Genetics
Classification: Uncertain significance for Inborn genetic diseases. Last evaluated: 2024-04-06. Review status: criteria provided, single submitter. Criteria: Ambry Variant Classification Scheme 2023. Collection method: clinical testing. Allele origin: germline.